The following is an entry in ClinVar:

NM_006949.4(STXBP2):c.892G>A (p.Asp298Asn)

Gene: STXBP2 (syntaxin binding protein 2; plus strand). Cytogenetic location: 19p13.2.
Variant type: single nucleotide variant.
Coding change: c.892G>A on transcript NM_006949.4 (MANE Select); coding-DNA position 892, G replaced by A.
Protein change: p.Asp298Asn; replaces aspartic acid 298 with asparagine.
Molecular consequence: missense variant. On other transcripts: non-coding transcript variant (1).
Genome position (GRCh38, 1-based): chr19:7,642,526, G>A. VCF-style: chr19-7642526-G-A. GRCh37 (hg19) VCF-style: chr19-7707412-G-A.
Other names: c.883G>A, p.Asp295Asn (NM_001127396.3); c.925G>A, p.Asp309Asn (NM_001272034.2); c.796G>A, p.Asp266Asn (NM_001414484.1); short protein forms D266N, D295N, D298N, D309N.
Identifiers: ClinVar variation 2166830 (VCV002166830.3), dbSNP rs1002379285, ClinGen allele CA304907511.

ClinVar aggregate classification (germline): Uncertain significance (1 of 4 stars; one submission).

Conditions:
Familial hemophagocytic lymphohistiocytosis 5. Also called: STXBP2-Related Familial Hemophagocytic Lymphohistiocytosis (STXBP2-fHLH). Identifiers: Orphanet 540, MedGen C2751293, MONDO:0013135, OMIM 613101.

Allele frequency attached by ClinVar (database versions not stated): gnomAD 0.00001; TOPMed 0.00001; gnomAD exomes 0.00002.
gnomAD v4.1: 25 of 1,613,926 alleles (0.0015%); highest among the groups gnomAD compares: Non-Finnish European, 0.0021%; no homozygotes.

Submission:

Labcorp Genetics (formerly Invitae), Labcorp
Classification: Uncertain significance for Familial hemophagocytic lymphohistiocytosis 5. Last evaluated: 2024-10-16. Review status: criteria provided, single submitter. Criteria: Invitae Variant Classification Sherloc (09022015). Collection method: clinical testing. Allele origin: germline.
Comment: This sequence change replaces aspartic acid, which is acidic and polar, with asparagine, which is neutral and polar, at codon 298 of the STXBP2 protein (p.Asp298Asn). This variant is present in population databases (no rsID available, gnomAD 0.0009%). This variant has not been reported in the literature in individuals affected with STXBP2-related conditions. ClinVar contains an entry for this variant (Variation ID: 2166830). Invitae Evidence Modeling of protein sequence and biophysical properties (such as structural, functional, and spatial information, amino acid conservation, physicochemical variation, residue mobility, and thermodynamic stability) indicates that this missense variant is not expected to disrupt STXBP2 protein function with a negative predictive value of 95%. In summary, the available evidence is currently insufficient to determine the role of this variant in disease. Therefore, it has been classified as a Variant of Uncertain Significance.